The following is an entry in ClinVar:

ClinVar aggregate classification (germline): Conflicting classifications of pathogenicity. Review status: criteria provided, conflicting classifications (1 of 4 stars). 3 submissions from 3 submitters: Likely pathogenic (2); Uncertain significance (1). Last evaluated 2025-06-23.

Conditions:
Multiple acyl-CoA dehydrogenase deficiency (MADD). Also called: ETHYLMALONIC-ADIPICACIDURIA; GA II; Glutaric Acidemia type 2; Glutaric aciduria, type 2; Glutaric acidemia type II; GA 2. Identifiers: Orphanet 26791, MedGen C0268596, MONDO:0009282, OMIM 231680.
Glutaric acidemia type 2A.

Allele frequency attached by ClinVar (database versions not stated): gnomAD exomes 0.00001 and 0.00002; ExAC 0.00003.
gnomAD v4.1: 11 of 1,613,650 alleles (0.00068%); highest among the groups gnomAD compares: East Asian, 0.0089%; no homozygotes.

Submissions (3):

Natera, Inc.
Classification: Likely pathogenic for Glutaric acidemia type 2A. Last evaluated: 2025-06-23. Review status: criteria provided, single submitter. Criteria: Natera Variant Classification Schema (03/2026). Collection method: clinical testing. Allele origin: germline.
Comment: The c.494T>C variant in ETFA is a missense variant predicted to cause substitution of valine to alanine at amino acid 165. This variant is rare in the general population with a frequency below the threshold expected for the associated phenotype(s). This variant has been observed in one or more individuals affected with the associated recessive disease, as either homozygous or compound heterozygous with a second variant (PMID: 34906519, 16510302, 40011756). This variant has been identified in one or more affected individual with a phenotype highly consistent with the associated gene (PMID: 34906519). Computational prediction algorithms indicate this variant is likely to affect gene or protein function. Given the available evidence, this variant is classified as Likely Pathogenic.

Baylor Genetics
Classification: Likely pathogenic for Multiple acyl-CoA dehydrogenase deficiency. Last evaluated: 2024-03-13. Review status: criteria provided, single submitter. Criteria: ACMG Guidelines, 2015. Collection method: clinical testing. Allele origin: unknown.

Women's Health and Genetics/Laboratory Corporation of America, LabCorp
Classification: Uncertain significance. Last evaluated: 2021-09-15. Review status: criteria provided, single submitter. Criteria: LabCorp Variant Classification Summary - May 2015. Collection method: clinical testing. Allele origin: germline.
Comment: Variant summary: ETFA c.494T>C (p.Val165Ala) results in a non-conservative amino acid change located in the Electron transfer flavoprotein, alpha/beta-subunit, N-terminal domain (IPR014730; Near inter subunit H-bonded region, Henriques_2010) of the encoded protein sequence. Four of five in-silico tools predict a damaging effect of the variant on protein function. The variant allele was found at a frequency of 2e-05 in 251386 control chromosomes (gnomAD and publication data). The available data on variant occurrences in the general population are insufficient to allow any conclusion about variant significance. c.494T>C has been reported in combination with another pathogenic ETFA variant in the literature in one individual affected with electron transfer flavoprotein deficiency type III (Schiff_2006). To our knowledge, no experimental evidence demonstrating an impact on protein function has been reported. No clinical diagnostic laboratories have submitted clinical-significance assessments for this variant to ClinVar after 2014. Based on the evidence outlined above, the variant was classified as uncertain significance.

Literature cited by the submitters: PubMed 34906519 (cited by Natera, Inc.); PubMed 16510302 (cited by Natera, Inc. and Women's Health and Genetics/Laboratory Corporation of America, LabCorp); PubMed 40011756 (cited by Natera, Inc.); PubMed 25200064 (cited by Women's Health and Genetics/Laboratory Corporation of America, LabCorp); PubMed 33450351 (cited by Women's Health and Genetics/Laboratory Corporation of America, LabCorp); PubMed 20674745 (cited by Women's Health and Genetics/Laboratory Corporation of America, LabCorp).

NM_000126.4(ETFA):c.494T>C (p.Val165Ala)

Gene: ETFA (electron transfer flavoprotein subunit alpha; minus strand). Cytogenetic location: 15q24.2.
Variant type: single nucleotide variant.
Coding change: c.494T>C on transcript NM_000126.4 (MANE Select); coding-DNA position 494, T replaced by C.
Protein change: p.Val165Ala; replaces valine 165 with alanine.
Molecular consequence: missense variant.
Genome position (GRCh38, 1-based): chr15:76,286,439, A>G on the plus strand (T>C on the coding strand, the complement: ETFA is on the minus strand). VCF-style: chr15-76286439-A-G. GRCh37 (hg19) VCF-style: chr15-76578780-A-G.
Other names: c.347T>C, p.Val116Ala (NM_001127716.2); short protein forms V116A, V165A.
Identifiers: ClinVar variation 1301310 (VCV001301310.3), dbSNP rs749455172, ClinGen allele CA7673746.